The following is an entry in ClinVar:

NM_024921.4(POF1B):c.1383G>A (p.Thr461=)

Gene: POF1B (POF1B actin binding protein; minus strand). Cytogenetic location: Xq21.1.
Variant type: single nucleotide variant.
Coding change: c.1383G>A on transcript NM_024921.4 (MANE Select); coding-DNA position 1383, G replaced by A.
Protein change: p.Thr461=; no amino-acid change (threonine 461 retained).
Molecular consequence: synonymous variant.
Genome position (GRCh38, 1-based): chrX:85,305,845, C>T on the plus strand (G>A on the coding strand, the complement: POF1B is on the minus strand). VCF-style: chrX-85305845-C-T. GRCh37 (hg19) VCF-style: chrX-84560851-C-T.
Other names: c.1383G>A, p.Thr461= (NM_001307940.2).
Identifiers: ClinVar variation 713840 (VCV000713840.10), dbSNP rs143899687, ClinGen allele CA10464972.
Genomic context (GRCh38, chrX:85,305,845, plus strand): 5'-ACATACCCTCAGTCTGCAGATCTCTCTATCTTTCTCCATTCTCAAGTTTTTTACCATCTC[C>T]GTGTAGTGGTTGCCAATCTCATCCATTTTAGCCTGCAACATTGGGCCTGTGCAAGTCTCA-3'
Protein context (NP_079197.3, residues 451-471): AKMDEIGNHY[Thr461=]EMVKNLRMEK

ClinVar aggregate classification (germline): Benign/Likely benign. Review status: criteria provided, multiple submitters, no conflicts (2 of 4 stars). 3 submissions from 3 submitters: Benign (1); Likely benign (1). 1 of the submissions does not count toward it. Last evaluated 2019-12-31.

Conditions:
Premature ovarian failure 2B. Identifiers: MedGen C1845105, MONDO:0010373, OMIM 300604.
POF1B-related disorder. Also called: POF1B-related condition.

Allele frequency attached by ClinVar (database versions not stated): ExAC 0.00061; TOPMed 0.00067; gnomAD 0.00071 and 0.00072; ESP Exome Variant Server 0.00104.
gnomAD v4.1: 1,475 of 1,207,416 alleles (0.12%); highest among the groups gnomAD compares: Non-Finnish European, 0.15%; 2 homozygotes.

Submissions (3):

Labcorp Genetics (formerly Invitae), Labcorp
Classification: Benign. Last evaluated: 2019-12-31. Review status: criteria provided, single submitter. Criteria: Invitae Variant Classification Sherloc (09022015). Collection method: clinical testing. Allele origin: germline.

Illumina Laboratory Services, Illumina
Classification: Likely benign for Premature ovarian failure 2B. Last evaluated: 2018-01-12. Review status: criteria provided, single submitter. Criteria: ICSL Variant Classification Criteria 13 December 2019. Collection method: clinical testing. Allele origin: germline.
Comment: This variant was observed in the ICSL laboratory as part of a predisposition screen in an ostensibly healthy population. It had not been previously curated by ICSL or reported in the Human Gene Mutation Database (HGMD: prior to June 1st, 2018), and was therefore a candidate for classification through an automated scoring system. Utilizing variant allele frequency, disease prevalence and penetrance estimates, and inheritance mode, an automated score was calculated to assess if this variant is too frequent to cause the disease. Based on the score and internal cut-off values, a variant classified as likely benign is not then subjected to further curation. The score for this variant resulted in a classification of likely benign for this disease.

PreventionGenetics, part of Exact Sciences
Classification: Likely benign for POF1B-related condition. Last evaluated: 2019-03-06. Review status: no assertion criteria provided. Collection method: clinical testing. Allele origin: germline. Not counted in ClinVar's aggregate classification.
Comment: This variant is classified as likely benign based on ACMG/AMP sequence variant interpretation guidelines (Richards et al. 2015 PMID: 25741868, with internal and published modifications).